The following is an entry in ClinVar:

NM_000252.3(MTM1):c.343-1G>A

Gene: MTM1 (myotubularin 1; plus strand). Cytogenetic location: Xq28.
Variant type: single nucleotide variant.
Coding change: c.343-1G>A on transcript NM_000252.3 (MANE Select); the canonical splice acceptor site of the intron before coding-DNA position 343, G replaced by A.
Molecular consequence: splice acceptor variant.
Genome position (GRCh38, 1-based): chrX:150,619,037, G>A. VCF-style: chrX-150619037-G-A. GRCh37 (hg19) VCF-style: chrX-149787510-G-A.
Other names: c.343-1G>A (NM_001376908.1, NM_001376906.1); c.232-1G>A (NM_001376907.1).
Identifiers: ClinVar variation 1523258 (VCV001523258.8), dbSNP rs2148461695, ClinGen allele CA415250872.

ClinVar aggregate classification (germline): Likely pathogenic (1 of 4 stars; one submission).

Conditions:
Severe X-linked myotubular myopathy (CNMX). Also called: Myotubular myopathy, X-linked; MYOTUBULAR MYOPATHY 1; X-linked centronuclear myopathy. Identifiers: Orphanet 596, MedGen C0410203, MONDO:0010683, OMIM 310400.

Submission:

Labcorp Genetics (formerly Invitae), Labcorp
Classification: Likely pathogenic for Severe X-linked myotubular myopathy. Last evaluated: 2021-07-21. Review status: criteria provided, single submitter. Criteria: Invitae Variant Classification Sherloc (09022015). Collection method: clinical testing. Allele origin: germline.
Comment: In summary, the currently available evidence indicates that the variant is pathogenic, but additional data are needed to prove that conclusively. Therefore, this variant has been classified as Likely Pathogenic. Algorithms developed to predict the effect of sequence changes on RNA splicing suggest that this variant may disrupt the consensus splice site, but this prediction has not been confirmed by published transcriptional studies. This variant has not been reported in the literature in individuals with MTM1-related conditions. This variant is not present in population databases (ExAC no frequency). This sequence change affects an acceptor splice site in intron 5 of the MTM1 gene. It is expected to disrupt RNA splicing. Variants that disrupt the donor or acceptor splice site typically lead to a loss of protein function (PMID: 16199547), and loss-of-function variants in MTM1 are known to be pathogenic (PMID: 9305655, 10063835).

Literature cited by the submitters: PubMed 16199547; PubMed 9305655; PubMed 10063835.